The following is an entry in ClinVar:

NM_004813.4(PEX16):c.*303C>T

Gene: PEX16 (peroxisomal biogenesis factor 16; minus strand). Cytogenetic location: 11p11.2.
Variant type: single nucleotide variant.
Coding change: c.*303C>T on transcript NM_004813.4 (MANE Select); 303 bases downstream of the stop codon, C replaced by T.
Molecular consequence: 3 prime UTR variant.
Genome position (GRCh38, 1-based): chr11:45,909,951, G>A on the plus strand (C>T on the coding strand, the complement: PEX16 is on the minus strand). VCF-style: chr11-45909951-G-A. GRCh37 (hg19) VCF-style: chr11-45931502-G-A.
Other names: c.*138C>T (NM_057174.3).
Identifiers: ClinVar variation 304781 (VCV000304781.9), dbSNP rs10838529, ClinGen allele CA10638659.

ClinVar aggregate classification (germline): Benign. Review status: criteria provided, multiple submitters, no conflicts (2 of 4 stars). 3 submissions from 3 submitters: Benign (3). Last evaluated 2018-08-07.

Conditions:
Peroxisome biogenesis disorder 8A (Zellweger). Also called: Peroxisome biogenesis disorder 8A. Identifiers: Orphanet 912, MedGen C3553959, MONDO:0013942, OMIM 614876.

Allele frequency attached by ClinVar (database versions not stated): 1000 Genomes Project 0.39357; 1000 Genomes Project 30x 0.39538; TOPMed 0.50743; gnomAD 0.53187 and 0.53226; gnomAD exomes 0.65140.
gnomAD v4.1: 495,409 of 788,526 alleles (63%); highest among the groups gnomAD compares: Non-Finnish European, 73%; 170,113 homozygotes.

Submissions (3):

GeneDx
Classification: Benign. Last evaluated: 2018-08-07. Review status: criteria provided, single submitter. Criteria: GeneDx Variant Classification Process June 2021. Collection method: clinical testing. Allele origin: germline. Affected: yes.

Illumina Laboratory Services, Illumina
Classification: Benign for Peroxisome biogenesis disorder 8A (Zellweger). Last evaluated: 2018-01-13. Review status: criteria provided, single submitter. Criteria: ICSL Variant Classification Criteria 13 December 2019. Collection method: clinical testing. Allele origin: germline.
Comment: This variant was observed in the ICSL laboratory as part of a predisposition screen in an ostensibly healthy population. It had not been previously curated by ICSL or reported in the Human Gene Mutation Database (HGMD: prior to June 1st, 2018), and was therefore a candidate for classification through an automated scoring system. Utilizing variant allele frequency, disease prevalence and penetrance estimates, and inheritance mode, an automated score was calculated to assess if this variant is too frequent to cause the disease. Based on the score and internal cut-off values, a variant classified as benign is not then subjected to further curation. The score for this variant resulted in a classification of benign for this disease.

Breakthrough Genomics
Classification: Benign. Review status: criteria provided, single submitter. Criteria: ACMG Guidelines, 2015. Collection method: not provided. Allele origin: germline. Inheritance: Autosomal recessive inheritance. Affected: yes.